The following is an entry in ClinVar:

ClinVar aggregate classification (germline): Likely benign (1 of 4 stars; one submission).

Submission:

Mayo Clinic Laboratories, Mayo Clinic
Classification: Likely benign. Last evaluated: 2024-12-23. Review status: criteria provided, single submitter. Criteria: ACMG Guidelines, 2015. Collection method: clinical testing. Allele origin: germline. Observed: 1 variant allele.
Comment: BP4, BP7

NM_003742.4(ABCB11):c.909-21dup

Gene: ABCB11 (ATP binding cassette subfamily B member 11; minus strand). Cytogenetic location: 2q31.1.
Variant type: Duplication.
Coding change: c.909-21dup on transcript NM_003742.4 (MANE Select); 21 bases into the intron before coding-DNA position 909, one base duplicated (T; older notation c.909-21dupT).
Molecular consequence: intron variant.
Genome position (GRCh38, 1-based): chr2:168,986,305, A duplicated on the plus strand (T on the coding strand, the reverse complement: ABCB11 is on the minus strand). VCF-style (leftmost placement, unchanged base first): chr2-168986304-G-GA. GRCh37 (hg19) VCF-style: chr2-169842814-G-GA.
Other names: p.?.
Identifiers: ClinVar variation 4684599 (VCV004684599.1).